The following is an entry in ClinVar:

NM_025114.4(CEP290):c.5599A>G (p.Thr1867Ala)

Gene: CEP290 (centrosomal protein 290; minus strand). Cytogenetic location: 12q21.32.
Variant type: single nucleotide variant.
Coding change: c.5599A>G on transcript NM_025114.4 (MANE Select); coding-DNA position 5599, A replaced by G.
Protein change: p.Thr1867Ala; replaces threonine 1867 with alanine.
Molecular consequence: missense variant.
Genome position (GRCh38, 1-based): chr12:88,077,332, T>C on the plus strand (A>G on the coding strand, the complement: CEP290 is on the minus strand). VCF-style: chr12-88077332-T-C. GRCh37 (hg19) VCF-style: chr12-88471109-T-C.
Other names: c.5599A>G (NM_025114.3); short protein forms T1867A.
Identifiers: ClinVar variation 1995772 (VCV001995772.5), dbSNP rs777347446, ClinGen allele CA6711686.

ClinVar aggregate classification (germline): Uncertain significance. Review status: criteria provided, multiple submitters, no conflicts (2 of 4 stars). 2 submissions from 2 submitters: Uncertain significance (2). Last evaluated 2025-12-02.

Conditions:
CEP290-related disorder. Also called: CEP290-related condition; CEP290-related disorders. Identifiers: MedGen CN239314.
Meckel-Gruber syndrome. Also called: DYSENCEPHALIA SPLANCHNOCYSTICA; GRUBER SYNDROME; Dysencephalia splachnocystica. Identifiers: Orphanet 564, MedGen C0265215, MONDO:0018921.
Nephronophthisis. Also called: Juvenile Nephronophthisis. Identifiers: Orphanet 655, MedGen C0687120, MONDO:0019005, HP:0000090.
Joubert syndrome. Also called: Familial aplasia of the vermis; JOUBERT-BOLTSHAUSER SYNDROME. Identifiers: Orphanet 475, MedGen C5979921, MONDO:0018772.

Submissions (2):

PreventionGenetics, part of Exact Sciences
Classification: Uncertain significance for CEP290-related condition. Last evaluated: 2025-12-02. Review status: criteria provided, single submitter. Criteria: ACMG Guidelines, 2015. Collection method: clinical testing. Allele origin: germline.
Comment: The CEP290 c.5599A>G variant is predicted to result in the amino acid substitution p.Thr1867Ala. To our knowledge, this variant has not been reported in the literature or in a large population database (gnomAD), indicating this variant is rare. At this time, the clinical significance of this variant is uncertain due to the absence of conclusive functional and genetic evidence.

Labcorp Genetics (formerly Invitae), Labcorp
Classification: Uncertain significance for Joubert syndrome; Meckel-Gruber syndrome; Nephronophthisis. Last evaluated: 2025-09-15. Review status: criteria provided, single submitter. Criteria: Invitae Variant Classification Sherloc (09022015). Collection method: clinical testing. Allele origin: germline.
Comment: This sequence change replaces threonine, which is neutral and polar, with alanine, which is neutral and non-polar, at codon 1867 of the CEP290 protein (p.Thr1867Ala). This variant is not present in population databases (gnomAD no frequency). This variant has not been reported in the literature in individuals affected with CEP290-related conditions. ClinVar contains an entry for this variant (Variation ID: 1995772). An algorithm developed to predict the effect of missense changes on protein structure and function (PolyPhen-2) suggests that this variant is likely to be tolerated. In summary, the available evidence is currently insufficient to determine the role of this variant in disease. Therefore, it has been classified as a Variant of Uncertain Significance.